The following is an entry in ClinVar:

NM_152309.3(PIK3AP1):c.1631C>A (p.Ala544Asp)

Gene: PIK3AP1 (phosphoinositide-3-kinase adaptor protein 1; minus strand). Cytogenetic location: 10q24.1.
Variant type: single nucleotide variant.
Coding change: c.1631C>A on transcript NM_152309.3 (MANE Select); coding-DNA position 1631, C replaced by A.
Protein change: p.Ala544Asp; replaces alanine 544 with aspartic acid.
Molecular consequence: missense variant.
Genome position (GRCh38, 1-based): chr10:96,626,746, G>T on the plus strand (C>A on the coding strand, the complement: PIK3AP1 is on the minus strand). VCF-style: chr10-96626746-G-T. GRCh37 (hg19) VCF-style: chr10-98386503-G-T.
Other names: short protein forms A544D.
Identifiers: ClinVar variation 3650970 (VCV003650970.2).

ClinVar aggregate classification (germline): Uncertain significance (1 of 4 stars; one submission).

Conditions:
Infantile spasms. Also called: Infantile spasm. Identifiers: MedGen C3887898, HP:0012469.

Submission:

Labcorp Genetics (formerly Invitae), Labcorp
Classification: Uncertain significance for Infantile spasms. Last evaluated: 2024-08-01. Review status: criteria provided, single submitter. Criteria: Invitae Variant Classification Sherloc (09022015). Collection method: clinical testing. Allele origin: germline.
Comment: This sequence change replaces alanine, which is neutral and non-polar, with aspartic acid, which is acidic and polar, at codon 544 of the PIK3AP1 protein (p.Ala544Asp). This variant is not present in population databases (gnomAD no frequency). This variant has not been reported in the literature in individuals affected with PIK3AP1-related conditions. An algorithm developed to predict the effect of missense changes on protein structure and function (PolyPhen-2) suggests that this variant is likely to be tolerated. In summary, the available evidence is currently insufficient to determine the role of this variant in disease. Therefore, it has been classified as a Variant of Uncertain Significance.